The following is an entry in ClinVar:

ClinVar aggregate classification (germline): Uncertain significance (1 of 4 stars; one submission).

Conditions:
Autosomal dominant Parkinson disease 8. Also called: LRRK2-Related Parkinson Disease; Parkinson disease 8; Parkinson disease 8, susceptibility to. Identifiers: Orphanet 411602, MedGen C1846862, MONDO:0011764, OMIM 607060.

gnomAD v4.1: 19 of 1,613,492 alleles (0.0012%); highest among the groups gnomAD compares: Non-Finnish European, 0.0015%; no homozygotes.

Submission:

Labcorp Genetics (formerly Invitae), Labcorp
Classification: Uncertain significance for Autosomal dominant Parkinson disease 8. Last evaluated: 2025-09-16. Review status: criteria provided, single submitter. Criteria: Invitae Variant Classification Sherloc (09022015). Collection method: clinical testing. Allele origin: germline.
Comment: This sequence change replaces cysteine, which is neutral and slightly polar, with tyrosine, which is neutral and polar, at codon 809 of the LRRK2 protein (p.Cys809Tyr). This variant is present in population databases (no rsID available, gnomAD 0.002%). This variant has not been reported in the literature in individuals affected with LRRK2-related conditions. Invitae Evidence Modeling of protein sequence and biophysical properties (such as structural, functional, and spatial information, amino acid conservation, physicochemical variation, residue mobility, and thermodynamic stability) indicates that this missense variant is not expected to disrupt LRRK2 protein function with a negative predictive value of 80%. In summary, the available evidence is currently insufficient to determine the role of this variant in disease. Therefore, it has been classified as a Variant of Uncertain Significance.

NM_198578.4(LRRK2):c.2426G>A (p.Cys809Tyr)

Gene: LRRK2 (leucine rich repeat kinase 2; plus strand). Cytogenetic location: 12q12.
Variant type: single nucleotide variant.
Coding change: c.2426G>A on transcript NM_198578.4 (MANE Select); coding-DNA position 2426, G replaced by A.
Protein change: p.Cys809Tyr; replaces cysteine 809 with tyrosine.
Molecular consequence: missense variant.
Genome position (GRCh38, 1-based): chr12:40,284,059, G>A. VCF-style: chr12-40284059-G-A. GRCh37 (hg19) VCF-style: chr12-40677861-G-A.
Other names: short protein forms C809Y.
Identifiers: ClinVar variation 4741066 (VCV004741066.1).
Genomic context (GRCh38, chr12:40,284,059, plus strand): 5'-TGCTCTTAAGGAGGCTGGCCCTGGATGTGGCCAACAATAGCATTTGCCTTGGAGGATTTT[G>A]TATAGGAAAAGTTGAACCTTCTTGGCTTGGTCCTTTATTTCCAGATAAGACTTCTAATTT-3'
Protein context (NP_940980.4, residues 799-819): ANNSICLGGF[Cys809Tyr]IGKVEPSWLG